The following is an entry in ClinVar:

ClinVar aggregate classification (germline): Conflicting classifications of pathogenicity. Review status: criteria provided, conflicting classifications (1 of 4 stars). 2 submissions from 2 submitters: Uncertain significance (1); Likely benign (1). Last evaluated 2025-01-23.

Conditions:
Familial cancer of breast. Also called: Hereditary breast cancer; BREAST CANCER, FAMILIAL; hereditary breast carcinoma. Identifiers: Orphanet 227535, MedGen C0346153, MONDO:0016419, OMIM 114480. Disease mechanism: loss of function.

Submissions (2):

Labcorp Genetics (formerly Invitae), Labcorp
Classification: Uncertain significance for Familial cancer of breast. Last evaluated: 2025-01-23. Review status: criteria provided, single submitter. Criteria: Invitae Variant Classification Sherloc (09022015). Collection method: clinical testing. Allele origin: germline.
Comment: This sequence change falls in intron 6 of the PALB2 gene. It does not directly change the encoded amino acid sequence of the PALB2 protein. This variant is not present in population databases (gnomAD no frequency). This variant has not been reported in the literature in individuals affected with PALB2-related conditions. ClinVar contains an entry for this variant (Variation ID: 2170952). Algorithms developed to predict the effect of sequence changes on RNA splicing suggest that this variant may disrupt the consensus splice site. In summary, the available evidence is currently insufficient to determine the role of this variant in disease. Therefore, it has been classified as a Variant of Uncertain Significance.

Myriad Genetics, Inc.
Classification: Likely benign for Familial cancer of breast. Last evaluated: 2025-01-16. Review status: criteria provided, single submitter. Criteria: Myriad Autosomal Dominant, Autosomal Recessive and X-Linked Classification Criteria (2023). Collection method: clinical testing. Allele origin: unknown.
Comment: This variant is considered likely benign. This variant is intronic and is not expected to impact mRNA splicing.

NM_024675.4(PALB2):c.2587-15T>C

Gene: PALB2 (partner and localizer of BRCA2; minus strand). Cytogenetic location: 16p12.2.
Variant type: single nucleotide variant.
Coding change: c.2587-15T>C on transcript NM_024675.4 (MANE Select); 15 bases into the intron before coding-DNA position 2587, T replaced by C.
Molecular consequence: intron variant.
Genome position (GRCh38, 1-based): chr16:23,626,412, A>G on the plus strand (T>C on the coding strand, the complement: PALB2 is on the minus strand). VCF-style: chr16-23626412-A-G. GRCh37 (hg19) VCF-style: chr16-23637733-A-G.
Identifiers: ClinVar variation 2170952 (VCV002170952.5), dbSNP rs2142356956, ClinGen allele CA2575946419.